The following is an entry in ClinVar:

ClinVar aggregate classification (germline): Uncertain significance (1 of 4 stars; one submission).

Submission:

Labcorp Genetics (formerly Invitae), Labcorp
Classification: Uncertain significance. Last evaluated: 2022-12-25. Review status: criteria provided, single submitter. Criteria: Invitae Variant Classification Sherloc (09022015). Collection method: clinical testing. Allele origin: germline.
Comment: In summary, the available evidence is currently insufficient to determine the role of this variant in disease. Therefore, it has been classified as a Variant of Uncertain Significance. Experimental studies and prediction algorithms are not available or were not evaluated, and the effect of this variant on mRNA splicing is currently unknown. This variant has not been reported in the literature in individuals affected with LMX1B-related conditions. Information on the frequency of this variant in the gnomAD database is not available, as this variant may be reported differently in the database. This sequence change falls in intron 4 of the LMX1B gene. It does not directly change the encoded amino acid sequence of the LMX1B protein.

NM_001174147.2(LMX1B):c.742-7_742-6delinsCT

Gene: LMX1B (LIM homeobox transcription factor 1 beta; plus strand). Cytogenetic location: 9q33.3.
Variant type: Indel.
Coding change: c.742-7_742-6delinsCT on transcript NM_001174147.2 (MANE Select); 7 bases into the intron before coding-DNA position 742 through 6 bases into the intron before coding-DNA position 742, GA replaced by CT.
Molecular consequence: intron variant.
Genome position (GRCh38, 1-based): chr9:126,693,517-126,693,518, GA replaced by CT. VCF-style: chr9-126693517-GA-CT. GRCh37 (hg19) VCF-style: chr9-129455796-GA-CT.
Other names: c.742-7_742-6delinsCT (NM_001174146.2, NM_002316.4).
Identifiers: ClinVar variation 2419921 (VCV002419921.6), dbSNP rs2490689009, ClinGen allele CA2580079543.